The following is an entry in ClinVar:

NM_000391.4(TPP1):c.68C>T (p.Pro23Leu)

Gene: TPP1 (tripeptidyl peptidase 1; minus strand). Cytogenetic location: 11p15.4.
Variant type: single nucleotide variant.
Coding change: c.68C>T on transcript NM_000391.4 (MANE Select); coding-DNA position 68, C replaced by T.
Protein change: p.Pro23Leu; replaces proline 23 with leucine.
Molecular consequence: missense variant.
Genome position (GRCh38, 1-based): chr11:6,619,217, G>A on the plus strand (C>T on the coding strand, the complement: TPP1 is on the minus strand). VCF-style: chr11-6619217-G-A. GRCh37 (hg19) VCF-style: chr11-6640448-G-A.
Other names: short protein forms P23L.
Identifiers: ClinVar variation 1350089 (VCV001350089.5), dbSNP rs2134598745, ClinGen allele CA379476972.

ClinVar aggregate classification (germline): Uncertain significance (1 of 4 stars; one submission).

Allele frequency attached by ClinVar (database versions not stated): gnomAD exomes below 0.00001.
gnomAD v4.1: 3 of 1,614,166 alleles (0.00019%); highest among the groups gnomAD compares: Non-Finnish European, 0.00025%; no homozygotes.

Submission:

Labcorp Genetics (formerly Invitae), Labcorp
Classification: Uncertain significance. Last evaluated: 2021-08-27. Review status: criteria provided, single submitter. Criteria: Invitae Variant Classification Sherloc (09022015). Collection method: clinical testing. Allele origin: germline.
Comment: This sequence change replaces proline with leucine at codon 23 of the TPP1 protein (p.Pro23Leu). The proline residue is moderately conserved and there is a moderate physicochemical difference between proline and leucine. This variant is not present in population databases (ExAC no frequency). This variant has not been reported in the literature in individuals affected with TPP1-related conditions. Advanced modeling of protein sequence and biophysical properties (such as structural, functional, and spatial information, amino acid conservation, physicochemical variation, residue mobility, and thermodynamic stability) performed at Invitae indicates that this missense variant is not expected to disrupt TPP1 protein function. In summary, the available evidence is currently insufficient to determine the role of this variant in disease. Therefore, it has been classified as a Variant of Uncertain Significance.